The following is an entry in ClinVar:

ClinVar aggregate classification (germline): Uncertain significance (1 of 4 stars; one submission).

Conditions:
Methylmalonic acidemia due to methylmalonyl-CoA epimerase deficiency. Also called: METHYLMALONYL-CoA RACEMASE DEFICIENCY; METHYLMALONIC ACIDURIA III; Methylmalonyl-CoA Epimerase Deficiency. Identifiers: Orphanet 308425, MedGen C1855100, MONDO:0009615, OMIM 251120.

Allele frequency attached by ClinVar (database versions not stated): gnomAD exomes 0.00001.
gnomAD v4.1: 4 of 1,607,364 alleles (0.00025%); highest among the groups gnomAD compares: Non-Finnish European, 0.00034%; no homozygotes.

Submission:

Labcorp Genetics (formerly Invitae), Labcorp
Classification: Uncertain significance for Methylmalonic acidemia due to methylmalonyl-CoA epimerase deficiency. Last evaluated: 2022-07-06. Review status: criteria provided, single submitter. Criteria: Invitae Variant Classification Sherloc (09022015). Collection method: clinical testing. Allele origin: germline.
Comment: In summary, the available evidence is currently insufficient to determine the role of this variant in disease. Therefore, it has been classified as a Variant of Uncertain Significance. Algorithms developed to predict the effect of sequence changes on RNA splicing suggest that this variant may disrupt the consensus splice site. ClinVar contains an entry for this variant (Variation ID: 1025357). This variant has not been reported in the literature in individuals affected with MCEE-related conditions. This variant is not present in population databases (gnomAD no frequency). This sequence change falls in intron 1 of the MCEE gene. It does not directly change the encoded amino acid sequence of the MCEE protein.

NM_032601.4(MCEE):c.41-9A>G

Gene: MCEE (methylmalonyl-CoA epimerase; minus strand). Cytogenetic location: 2p13.3.
Variant type: single nucleotide variant.
Coding change: c.41-9A>G on transcript NM_032601.4 (MANE Select); 9 bases into the intron before coding-DNA position 41, A replaced by G.
Molecular consequence: intron variant.
Genome position (GRCh38, 1-based): chr2:71,124,552, T>C on the plus strand (A>G on the coding strand, the complement: MCEE is on the minus strand). VCF-style: chr2-71124552-T-C. GRCh37 (hg19) VCF-style: chr2-71351682-T-C.
Identifiers: ClinVar variation 1025357 (VCV001025357.8), dbSNP rs1673178812, ClinGen allele CA1259891366.